The following is an entry in ClinVar:

ClinVar aggregate classification (germline): Likely benign (1 of 4 stars; one submission).

Allele frequency attached by ClinVar (database versions not stated): TOPMed 0.00015; ESP Exome Variant Server 0.00023; 1000 Genomes Project 30x 0.00047; gnomAD exomes 0.00053; 1000 Genomes Project 0.00060; ExAC 0.00095; gnomAD 0.00101.
gnomAD v4.1: 918 of 1,614,152 alleles (0.057%); highest among the groups gnomAD compares: Non-Finnish European, 0.017%; 8 homozygotes.

Submission:

CeGaT Center for Human Genetics Tuebingen
Classification: Likely benign. Last evaluated: 2023-03-01. Review status: criteria provided, single submitter. Criteria: CeGaT Center For Human Genetics Tuebingen Variant Classification Criteria Version 2. Collection method: clinical testing. Allele origin: germline. Affected: yes. Observed: 1 variant allele.
Comment: LYVE1: BP4

NM_006691.4(LYVE1):c.311C>T (p.Pro104Leu)

Genes: IRAG1-AS1 (IRAG1 antisense RNA 1; plus strand), LYVE1 (lymphatic vessel endothelial hyaluronan receptor 1; minus strand). Cytogenetic location: 11p15.4.
Variant type: single nucleotide variant.
Coding change: c.311C>T on transcript NM_006691.4 (MANE Select); coding-DNA position 311, C replaced by T.
Protein change: p.Pro104Leu; replaces proline 104 with leucine.
Molecular consequence: missense variant.
Genome position (GRCh38, 1-based): chr11:10,564,026, G>A on the plus strand (C>T on the coding strand, the complement: LYVE1 is on the minus strand). VCF-style: chr11-10564026-G-A. GRCh37 (hg19) VCF-style: chr11-10585573-G-A.
Other names: short protein forms P104L.
Identifiers: ClinVar variation 2641596 (VCV002641596.24), dbSNP rs147788904, ClinGen allele CA5883713.
Genomic context (GRCh38, chr11:10,564,026, plus strand): 5'-AACTGTCGGCTCACTGGAACCTTCCAAATCAGGACACCCACCCCATTTTTCCCACACTTG[G>A]GGTTTGGGCTAATCCTAGAGATGACCACGAATCCATCTCCAACCCAGCCATAGCTGTAAA-3'
Protein context (NP_006682.2, residues 94-114): FVVISRISPN[Pro104Leu]KCGKNGVGVL